The following is an entry in ClinVar:

ClinVar aggregate classification (germline): Benign (1 of 4 stars; one submission).

Conditions:
HTT-related disorder. Also called: HTT-related condition.

gnomAD v4.1: 1 of 1,610,294 alleles (0.000062%); highest among the groups gnomAD compares: Non-Finnish European, 0.000085%; no homozygotes.

Submission:

PreventionGenetics, part of Exact Sciences
Classification: Benign for HTT-related condition. Last evaluated: 2020-09-16. Review status: criteria provided, single submitter. Criteria: ACMG Guidelines, 2015. Collection method: clinical testing. Allele origin: germline.
Comment: This variant is classified as benign based on ACMG/AMP sequence variant interpretation guidelines (Richards et al. 2015 PMID: 25741868, with internal and published modifications).

NM_001388492.1(HTT):c.7932C>G (p.Ala2644=)

Gene: HTT (huntingtin; plus strand). Cytogenetic location: 4p16.3.
Variant type: single nucleotide variant.
Coding change: c.7932C>G on transcript NM_001388492.1 (MANE Select); coding-DNA position 7932, C replaced by G.
Protein change: p.Ala2644=; no amino-acid change (alanine 2644 retained).
Molecular consequence: synonymous variant.
Genome position (GRCh38, 1-based): chr4:3,228,698, C>G. VCF-style: chr4-3228698-C-G. GRCh37 (hg19) VCF-style: chr4-3230425-C-G.
Other names: c.7938C>G, p.Ala2646= (NM_002111.8).
Identifiers: ClinVar variation 3045165 (VCV003045165.1), dbSNP rs368741323, ClinGen allele CA438135915.